The following is an entry in ClinVar:

NM_015175.3(NBEAL2):c.7192_7202dup (p.Gln2402fs)

Gene: NBEAL2 (neurobeachin like 2; plus strand). Cytogenetic location: 3p21.31.
Variant type: Duplication.
Coding change: c.7192_7202dup on transcript NM_015175.3 (MANE Select); coding-DNA positions 7192 to 7202, 11 bases duplicated (TCCTTCATCAC).
Protein change: p.Gln2402fs; shifts the reading frame from glutamine 2402.
Molecular consequence: frameshift variant.
Genome position (GRCh38, 1-based): chr3:47,007,123-47,007,133, TCCTTCATCAC duplicated; duplicating any 11 consecutive bases within chr3:47,007,120-47,007,133 gives the same sequence; the c. name uses the placement nearest the transcript's 3' end. VCF-style (leftmost placement, unchanged base first): chr3-47007119-C-CCACTCCTTCAT. GRCh37 (hg19) VCF-style: chr3-47048609-C-CCACTCCTTCAT.
Other names: c.7090_7100dup, p.Gln2368fs (NM_001365116.2); short protein forms Q2368fs, Q2402fs.
Identifiers: ClinVar variation 982276 (VCV000982276.1), dbSNP rs2037501401, ClinGen allele CA1139658045.
Genomic context (GRCh38, chr3:47,007,119, plus strand): 5'-CCTGCAGGTTGTCAGTGATGGTGTACCCCTGGTGCTAGCCCTGGTCCCCCACCGGCAGCC[C>CCACTCCTTCAT]CACTCCTTCATCACCCAGGGTTCCCCAGACCTGTTGGTAAGTGCATTGTGCAGAGCCCCA-3'

ClinVar aggregate classification (germline): Pathogenic (1 of 4 stars; one submission).

Conditions:
Gray platelet syndrome (GPS). Also called: BLEEDING DISORDER, PLATELET-TYPE, 4. Identifiers: Orphanet 721, MedGen C0272302, MONDO:0007686, OMIM 139090.

Submission:

NIHR Bioresource Rare Diseases, University of Cambridge
Classification: Pathogenic for Gray platelet syndrome. Last evaluated: 2020-03-01. Review status: criteria provided, single submitter. Criteria: ACMG Guidelines, 2015. Collection method: research. Allele origin: unknown. Inheritance: Autosomal recessive inheritance. Affected: yes. Observed: 1 homozygote.
Comment: ACMG criteria: PVS1, PM2, PM3, PP4

Literature cited by the submitters: PubMed 32693407.